The following is an entry in ClinVar:

ClinVar aggregate classification (germline): Uncertain significance. Review status: criteria provided, multiple submitters, no conflicts (2 of 4 stars). 2 submissions from 2 submitters: Uncertain significance (2). Last evaluated 2024-11-16.

Conditions:
Fanconi anemia complementation group J. Also called: BRIP1-Related Fanconi Anemia. Identifiers: Orphanet 84, MedGen C1836860, MONDO:0012187, OMIM 609054.
Familial cancer of breast. Also called: Hereditary breast cancer; hereditary breast carcinoma; BREAST CANCER, FAMILIAL. Identifiers: Orphanet 227535, MedGen C0346153, MONDO:0016419, OMIM 114480. Disease mechanism: loss of function.
Hereditary cancer-predisposing syndrome. Also called: Hereditary Cancer Syndrome; Hereditary neoplastic syndrome; Neoplastic Syndromes, Hereditary; Tumor predisposition. Identifiers: Orphanet 140162, MedGen C0027672, MeSH D009386, MONDO:0015356.

Submissions (2):

Labcorp Genetics (formerly Invitae), Labcorp
Classification: Uncertain significance for Familial cancer of breast; Fanconi anemia complementation group J. Last evaluated: 2024-11-16. Review status: criteria provided, single submitter. Criteria: Invitae Variant Classification Sherloc (09022015). Collection method: clinical testing. Allele origin: germline.
Comment: This sequence change replaces leucine, which is neutral and non-polar, with phenylalanine, which is neutral and non-polar, at codon 56 of the BRIP1 protein (p.Leu56Phe). This variant is not present in population databases (gnomAD no frequency). This variant has not been reported in the literature in individuals affected with BRIP1-related conditions. Invitae Evidence Modeling of protein sequence and biophysical properties (such as structural, functional, and spatial information, amino acid conservation, physicochemical variation, residue mobility, and thermodynamic stability) indicates that this missense variant is expected to disrupt BRIP1 protein function with a positive predictive value of 95%. In summary, the available evidence is currently insufficient to determine the role of this variant in disease. Therefore, it has been classified as a Variant of Uncertain Significance.

Ambry Genetics
Classification: Uncertain significance for Hereditary cancer-predisposing syndrome. Last evaluated: 2024-07-28. Review status: criteria provided, single submitter. Criteria: Ambry Variant Classification Scheme 2023. Collection method: clinical testing. Allele origin: germline.
Comment: The p.L56F variant (also known as c.168A>C), located in coding exon 2 of the BRIP1 gene, results from an A to C substitution at nucleotide position 168. The leucine at codon 56 is replaced by phenylalanine, an amino acid with highly similar properties. This amino acid position is conserved. In addition, the in silico prediction for this alteration is inconclusive. Based on the available evidence, the clinical significance of this variant remains unclear.

NM_032043.3(BRIP1):c.168A>C (p.Leu56Phe)

Gene: BRIP1 (BRCA1 interacting DNA helicase 1; minus strand). Cytogenetic location: 17q23.2.
Variant type: single nucleotide variant.
Coding change: c.168A>C on transcript NM_032043.3 (MANE Select); coding-DNA position 168, A replaced by C.
Protein change: p.Leu56Phe; replaces leucine 56 with phenylalanine.
Molecular consequence: missense variant.
Genome position (GRCh38, 1-based): chr17:61,859,833, T>G on the plus strand (A>C on the coding strand, the complement: BRIP1 is on the minus strand). VCF-style: chr17-61859833-T-G. GRCh37 (hg19) VCF-style: chr17-59937194-T-G.
Other names: short protein forms L56F.
Identifiers: ClinVar variation 3482435 (VCV003482435.3).